The following is an entry in ClinVar:

ClinVar aggregate classification (germline): Uncertain significance. Review status: criteria provided, multiple submitters, no conflicts (2 of 4 stars). 2 submissions from 2 submitters: Uncertain significance (2). Last evaluated 2025-03-22.

Conditions:
Hereditary cancer-predisposing syndrome. Also called: Neoplastic Syndromes, Hereditary; Hereditary Cancer Syndrome; Tumor predisposition; Hereditary neoplastic syndrome. Identifiers: Orphanet 140162, MedGen C0027672, MeSH D009386, MONDO:0015356.

Allele frequency attached by ClinVar (database versions not stated): gnomAD exomes below 0.00001.
gnomAD v4.1: 2 of 1,613,730 alleles (0.00012%); highest among the groups gnomAD compares: Admixed American, 0.0017%; no homozygotes.

Submissions (2):

Ambry Genetics
Classification: Uncertain significance for Hereditary cancer-predisposing syndrome. Last evaluated: 2025-03-22. Review status: criteria provided, single submitter. Criteria: Ambry Variant Classification Scheme 2023. Collection method: clinical testing. Allele origin: germline.
Comment: The p.I1008V variant (also known as c.3022A>G), located in coding exon 19 of the RAD50 gene, results from an A to G substitution at nucleotide position 3022. The isoleucine at codon 1008 is replaced by valine, an amino acid with highly similar properties. This amino acid position is highly conserved in available vertebrate species. In addition, this alteration is predicted to be tolerated by in silico analysis. Since supporting evidence is limited at this time, the clinical significance of this alteration remains unclear.

Labcorp Genetics (formerly Invitae), Labcorp
Classification: Uncertain significance for Hereditary cancer-predisposing syndrome. Last evaluated: 2023-04-27. Review status: criteria provided, single submitter. Criteria: Invitae Variant Classification Sherloc (09022015). Collection method: clinical testing. Allele origin: germline.
Comment: In summary, the available evidence is currently insufficient to determine the role of this variant in disease. Therefore, it has been classified as a Variant of Uncertain Significance. Advanced modeling of protein sequence and biophysical properties (such as structural, functional, and spatial information, amino acid conservation, physicochemical variation, residue mobility, and thermodynamic stability) performed at Invitae indicates that this missense variant is not expected to disrupt RAD50 protein function. ClinVar contains an entry for this variant (Variation ID: 572741). This variant has not been reported in the literature in individuals affected with RAD50-related conditions. This variant is present in population databases (no rsID available, gnomAD 0.003%). This sequence change replaces isoleucine, which is neutral and non-polar, with valine, which is neutral and non-polar, at codon 1008 of the RAD50 protein (p.Ile1008Val).

NM_005732.4(RAD50):c.3022A>G (p.Ile1008Val)

Gene: RAD50 (RAD50 double strand break repair protein; plus strand). Cytogenetic location: 5q31.1.
Variant type: single nucleotide variant.
Coding change: c.3022A>G on transcript NM_005732.4 (MANE Select); coding-DNA position 3022, A replaced by G.
Protein change: p.Ile1008Val; replaces isoleucine 1008 with valine.
Molecular consequence: missense variant.
Genome position (GRCh38, 1-based): chr5:132,609,382, A>G. VCF-style: chr5-132609382-A-G. GRCh37 (hg19) VCF-style: chr5-131945074-A-G.
Other names: short protein forms I1008V.
Identifiers: ClinVar variation 572741 (VCV000572741.16), dbSNP rs1395422701, ClinGen allele CA360961038.